The following is an entry in ClinVar:

NM_016507.4(CDK12):c.4276A>G (p.Ser1426Gly)

Gene: CDK12 (cyclin dependent kinase 12; plus strand). Cytogenetic location: 17q12.
Variant type: single nucleotide variant.
Coding change: c.4276A>G on transcript NM_016507.4 (MANE Select); coding-DNA position 4276, A replaced by G.
Protein change: p.Ser1426Gly; replaces serine 1426 with glycine.
Molecular consequence: missense variant.
Genome position (GRCh38, 1-based): chr17:39,531,119, A>G. VCF-style: chr17-39531119-A-G. GRCh37 (hg19) VCF-style: chr17-37687372-A-G.
Other names: c.4276A>G (NM_016507.2); c.4249A>G, p.Ser1417Gly (NM_015083.4); short protein forms S1417G, S1426G.
Identifiers: ClinVar variation 133861 (VCV000133861.2), dbSNP rs587778178, ClinGen allele CA158007.

ClinVar aggregate classification (germline): Uncertain significance. Review status: criteria provided, single submitter (1 of 4 stars). 2 submissions from 2 submitters: Uncertain significance (1). 1 of the submissions does not count toward it. Last evaluated 2025-12-22.

Submissions (2):

Ambry Genetics
Classification: Uncertain significance. Last evaluated: 2025-12-22. Review status: criteria provided, single submitter. Criteria: Ambry Variant Classification Scheme 2023. Collection method: clinical testing. Allele origin: germline.

ITMI
No classification provided. Condition: AllHighlyPenetrant. Last evaluated: 2013-09-19. Review status: no classification provided. Collection method: reference population. Allele origin: germline. Not counted in ClinVar's aggregate classification.
Comment: Please see associated publication for description of ethnicities

Literature cited by the submitters: PubMed 24728327 (cited by ITMI).